The following is an entry in ClinVar:

NM_001267550.2(TTN):c.104311G>A (p.Glu34771Lys)

Genes: TTN (titin; minus strand), TTN-AS1 (TTN antisense RNA 1; plus strand). Cytogenetic location: 2q31.2.
Variant type: single nucleotide variant.
Coding change: c.104311G>A on transcript NM_001267550.2 (MANE Select); coding-DNA position 104311, G replaced by A.
Protein change: p.Glu34771Lys; replaces glutamic acid 34771 with lysine.
Molecular consequence: missense variant.
Genome position (GRCh38, 1-based): chr2:178,532,304, C>T on the plus strand (G>A on the coding strand, the complement: TTN is on the minus strand). VCF-style: chr2-178532304-C-T. GRCh37 (hg19) VCF-style: chr2-179397031-C-T.
Other names: c.99388G>A, p.Glu33130Lys (NM_001256850.1); c.77116G>A, p.Glu25706Lys (NM_003319.4); c.96607G>A, p.Glu32203Lys (NM_133378.4); c.77491G>A, p.Glu25831Lys (NM_133432.3); c.77692G>A, p.Glu25898Lys (NM_133437.4); short protein forms E25831K, E32203K, E33130K, E34771K, E25898K, E25706K.
Identifiers: ClinVar variation 1354245 (VCV001354245.8), dbSNP rs2154134190, ClinGen allele CA349412014.
Genomic context (GRCh38, chr2:178,532,304, plus strand): 5'-CAAGTTCGCTTTTGTATTCTGAGAGATGCTGGGTGGTCGTAACTGGGCGAAGCAACTCTT[C>T]ATCCTCCCTCTCAGCCATGATTCTTTGCCGTTGCTTTGGCTGTCTGTACGCAGCCTGGGC-3'
Protein context (NP_001254479.2, residues 34761-34781): RQRIMAERED[Glu34771Lys]ELLRPVTTTQ

ClinVar aggregate classification (germline): Uncertain significance. Review status: criteria provided, multiple submitters, no conflicts (2 of 4 stars). 2 submissions from 2 submitters: Uncertain significance (2). Last evaluated 2022-09-14.

Conditions:
Cardiovascular phenotype. Identifiers: MedGen CN230736.
Dilated cardiomyopathy 1G (CMD1G). Identifiers: Orphanet 154, MedGen C1858763, MONDO:0011400, OMIM 604145.
Autosomal recessive limb-girdle muscular dystrophy type 2J (LGMDR10). Also called: Limb-girdle muscular dystrophy, type 2J; MUSCULAR DYSTROPHY, LIMB-GIRDLE, AUTOSOMAL RECESSIVE 10. Identifiers: Orphanet 140922, MedGen C1837342, MONDO:0012127, OMIM 608807.

gnomAD v4.1: 2 of 1,614,018 alleles (0.00012%); highest among the groups gnomAD compares: African/African-American, 0.0013%; no homozygotes.

Submissions (2):

Labcorp Genetics (formerly Invitae), Labcorp
Classification: Uncertain significance for Dilated cardiomyopathy 1G; Autosomal recessive limb-girdle muscular dystrophy type 2J. Last evaluated: 2022-09-14. Review status: criteria provided, single submitter. Criteria: Invitae Variant Classification Sherloc (09022015). Collection method: clinical testing. Allele origin: germline.
Comment: This sequence change replaces glutamic acid, which is acidic and polar, with lysine, which is basic and polar, at codon 34771 of the TTN protein (p.Glu34771Lys). This variant is not present in population databases (gnomAD no frequency). This variant has not been reported in the literature in individuals affected with TTN-related conditions. ClinVar contains an entry for this variant (Variation ID: 1354245). Experimental studies and prediction algorithms are not available or were not evaluated, and the functional significance of this variant is currently unknown. This variant is located in the M band of TTN (PMID: 25589632). Variants in this region may be relevant for neuromuscular disorders, but have not been definitively shown to cause cardiomyopathy (PMID: 23975875). In summary, the available evidence is currently insufficient to determine the role of this variant in disease. Therefore, it has been classified as a Variant of Uncertain Significance.

Ambry Genetics
Classification: Uncertain significance for Cardiovascular phenotype. Last evaluated: 2020-03-23. Review status: criteria provided, single submitter. Criteria: Ambry Variant Classification Scheme 2023. Collection method: clinical testing. Allele origin: germline.
Comment: The p.E25706K variant (also known as c.77116G>A), located in coding exon 185 of the TTN gene, results from a G to A substitution at nucleotide position 77116. The glutamic acid at codon 25706 is replaced by lysine, an amino acid with similar properties. This amino acid position is not well conserved in available vertebrate species. In addition, this alteration is predicted to be tolerated by in silico analysis. Since supporting evidence is limited at this time, the clinical significance of this alteration remains unclear.

Literature cited by the submitters: PubMed 25589632 (cited by Labcorp Genetics (formerly Invitae), Labcorp); PubMed 23975875 (cited by Labcorp Genetics (formerly Invitae), Labcorp).